The following is an entry in ClinVar:

ClinVar aggregate classification (germline): Conflicting classifications of pathogenicity. Review status: criteria provided, conflicting classifications (1 of 4 stars). 2 submissions from 2 submitters: Uncertain significance (1); Benign (1). Last evaluated 2022-10-01.

Conditions:
Neuropathy, hereditary sensory and autonomic, type 1C. Also called: HSAN IC; HSN IC. Identifiers: Orphanet 36386, MedGen C3150896, MONDO:0013337, OMIM 613640.

Allele frequency attached by ClinVar (database versions not stated): TOPMed 0.00045.

Submissions (2):

CeGaT Center for Human Genetics Tuebingen
Classification: Benign. Last evaluated: 2022-10-01. Review status: criteria provided, single submitter. Criteria: CeGaT Center For Human Genetics Tuebingen Variant Classification Criteria Version 2. Collection method: clinical testing. Allele origin: germline. Affected: yes. Observed: 2 variant alleles.
Comment: SPTLC2: BS1, BS2

Illumina Laboratory Services, Illumina
Classification: Uncertain significance for Neuropathy, hereditary sensory and autonomic, type 1C. Last evaluated: 2018-01-13. Review status: criteria provided, single submitter. Criteria: ICSL Variant Classification Criteria 13 December 2019. Collection method: clinical testing. Allele origin: germline.

NM_004863.4(SPTLC2):c.*946C>A

Gene: SPTLC2 (serine palmitoyltransferase long chain base subunit 2; minus strand). Cytogenetic location: 14q24.3.
Variant type: single nucleotide variant.
Coding change: c.*946C>A on transcript NM_004863.4 (MANE Select); 946 bases downstream of the stop codon, C replaced by A.
Molecular consequence: 3 prime UTR variant.
Genome position (GRCh38, 1-based): chr14:77,511,338, G>T on the plus strand (C>A on the coding strand, the complement: SPTLC2 is on the minus strand). VCF-style: chr14-77511338-G-T. GRCh37 (hg19) VCF-style: chr14-77977681-G-T.
Identifiers: ClinVar variation 885995 (VCV000885995.35), dbSNP rs752351930, ClinGen allele CA263821444.